The following is an entry in ClinVar:

NM_000404.4(GLB1):c.1233+1G>A

Gene: GLB1 (galactosidase beta 1; minus strand). Cytogenetic location: 3p22.3.
Variant type: single nucleotide variant.
Coding change: c.1233+1G>A on transcript NM_000404.4 (MANE Select); the canonical splice donor site of the intron after coding-DNA position 1233, G replaced by A.
Molecular consequence: splice donor variant.
Genome position (GRCh38, 1-based): chr3:33,021,565, C>T on the plus strand (G>A on the coding strand, the complement: GLB1 is on the minus strand). VCF-style: chr3-33021565-C-T. GRCh37 (hg19) VCF-style: chr3-33063057-C-T.
Other names: c.1233+1G>A (NM_001393580.1, NM_000404.3); c.840+1G>A (NM_001135602.3); c.1377+1G>A (NM_001317040.2); c.1143+1G>A (NM_001079811.3).
Identifiers: ClinVar variation 556286 (VCV000556286.10), dbSNP rs1553606984, ClinGen allele CA351992810.
Genomic context (GRCh38, chr3:33,021,565, plus strand): 5'-AGTGCAGAAAGCACACTTTTGCAAGTAGAAAAAAGGCGAGGCATTACCTTTGAAGGCCTA[C>T]CTGTTTCACCTGGATAAATGTCAAGGGATAAAGGCTTTTGATGGGCCCAGAGGGACACAG-3'

ClinVar aggregate classification (germline): Pathogenic/Likely pathogenic. Review status: criteria provided, multiple submitters, no conflicts (2 of 4 stars). 4 submissions from 4 submitters: Pathogenic (1); Likely pathogenic (1). 2 of the submissions do not count toward it. Last evaluated 2025-03-29.

Conditions:
GM1 gangliosidosis type 3. Also called: GANGLIOSIDOSIS, GENERALIZED GM1, ADULT TYPE; GANGLIOSIDOSIS, GENERALIZED GM1, CHRONIC TYPE; GANGLIOSIDOSIS, GENERALIZED GM1, TYPE III; GM1-GANGLIOSIDOSIS, TYPE III; Beta-galactosidase deficiency; Adult GM1 gangliosidosis. Identifiers: Orphanet 79257, MedGen C0268273, MONDO:0009262, OMIM 230650.
GM1 gangliosidosis type 2. Also called: GANGLIOSIDOSIS, GENERALIZED GM1, JUVENILE TYPE; GANGLIOSIDOSIS, GENERALIZED GM1, TYPE II; GM1-GANGLIOSIDOSIS, TYPE II; Juvenile GM>1< gangliosidosis; Gangliosidosis, Generalized GM1, Type 2. Identifiers: Orphanet 354, Orphanet 79256, MedGen C0268272, MONDO:0009261, OMIM 230600.
Infantile GM1 gangliosidosis. Also called: GM1 gangliosidosis type 1; GM1-gangliosidosis, type I; Gangliosidosis, generalized GM1, infantile form; GLB1 deficiency; Gangliosidosis, Generalized GM1, Type 1. Identifiers: Orphanet 354, Orphanet 79255, MedGen C0268271, MONDO:0009260, OMIM 230500.
Mucopolysaccharidosis, MPS-IV-B (MPS4B). Also called: Mucopolysaccharidosis type 4B; Mucopolysaccharidosis Type IVB (Morquio B Disease); MORQUIO SYNDROME B; Mucopolysaccharidosis type IVB (Morquio); MPS IVB; Mucopolysaccharidosis type IV B. Identifiers: Orphanet 309310, Orphanet 582, MedGen C0086652, MONDO:0009660, OMIM 253010.
GLB1-related disorder. Also called: GLB1-related disorders. Identifiers: MedGen CN377807.
GM1 gangliosidosis. Identifiers: Orphanet 354, MedGen C0085131, MONDO:0018149.

Allele frequency attached by ClinVar (database versions not stated): gnomAD exomes below 0.00001.
gnomAD v4.1: 1 of 1,613,606 alleles (0.000062%); highest among the groups gnomAD compares: Non-Finnish European, 0.000085%; no homozygotes.

Submissions (4):

Natera, Inc.
Classification: Likely pathogenic for Mucopolysaccharidosis, MPS-IV-B. Last evaluated: 2025-03-29. Review status: criteria provided, single submitter. Criteria: Natera Variant Classification Schema (03/2026). Collection method: clinical testing. Allele origin: germline.
Comment: The c.1233+1G>A variant in GLB1 is a canonical splice donor site variant predicted to affect pre-mRNA splicing, which may result in an abnormal transcript and altered protein product. This variant may result in a truncated or dysfunctional protein product. This variant is rare in the general population with a frequency below the threshold expected for the associated phenotype(s). Another variant at this same site results in an alteration predicted to cause a similar molecular effect has been observed in individual(s) with the associated phenotype. Given the available evidence, this variant is classified as Likely Pathogenic.

Labcorp Genetics (formerly Invitae), Labcorp
Classification: Pathogenic for Mucopolysaccharidosis, MPS-IV-B; GM1 gangliosidosis. Last evaluated: 2023-10-30. Review status: criteria provided, single submitter. Criteria: Invitae Variant Classification Sherloc (09022015). Collection method: clinical testing. Allele origin: germline.
Comment: This sequence change affects a donor splice site in intron 12 of the GLB1 gene. It is expected to disrupt RNA splicing. Variants that disrupt the donor or acceptor splice site typically lead to a loss of protein function (PMID: 16199547), and loss-of-function variants in GLB1 are known to be pathogenic (PMID: 18524657). This variant is not present in population databases (gnomAD no frequency). Disruption of this splice site has been observed in individual(s) with GM1 gangliosidosis (PMID: 31761138). In at least one individual the data is consistent with being in trans (on the opposite chromosome) from a pathogenic variant. It has also been observed to segregate with disease in related individuals. ClinVar contains an entry for this variant (Variation ID: 556286). Algorithms developed to predict the effect of sequence changes on RNA splicing suggest that this variant may disrupt the consensus splice site. For these reasons, this variant has been classified as Pathogenic.

PreventionGenetics, part of Exact Sciences
Classification: Likely pathogenic for GLB1-related condition. Last evaluated: 2024-07-30. Review status: no assertion criteria provided. Collection method: clinical testing. Allele origin: germline. Not counted in ClinVar's aggregate classification.
Comment: The GLB1 c.1233+1G>A variant is predicted to disrupt the GT donor site and interfere with normal splicing. To our knowledge, this variant has not been reported in the literature or in a large population database, indicating it is rare. A different nucleotide substitution affecting the same splice donor site (c.1233+1G>A) has been reported in the compound heterozygous state in individuals with GM1 gangliosidosis (Arash-Kaps L et al 2019. PubMed ID: 31761138), and variants that disrupt consensus splice donor sites in GLB1 are expected to be pathogenic. This variant is interpreted as likely pathogenic.

Counsyl
Classification: Likely pathogenic for Infantile GM1 gangliosidosis; GM1 gangliosidosis type 2; GM1 gangliosidosis type 3; Mucopolysaccharidosis, MPS-IV-B. Last evaluated: 2018-01-24. Review status: no assertion criteria provided. Collection method: clinical testing. Allele origin: unknown. Not counted in ClinVar's aggregate classification.

Literature cited by the submitters: PubMed 16199547 (cited by Labcorp Genetics (formerly Invitae), Labcorp); PubMed 18524657 (cited by Labcorp Genetics (formerly Invitae), Labcorp); PubMed 31761138 (cited by Labcorp Genetics (formerly Invitae), Labcorp).